The following is an entry in ClinVar:

NM_006218.4(PIK3CA):c.353G>A (p.Gly118Asp)

Gene: PIK3CA (phosphatidylinositol-4,5-bisphosphate 3-kinase catalytic subunit alpha; plus strand). Cytogenetic location: 3q26.32.
Variant type: single nucleotide variant.
Coding change: c.353G>A on transcript NM_006218.4 (MANE Select); coding-DNA position 353, G replaced by A.
Protein change: p.Gly118Asp; replaces glycine 118 with aspartic acid.
Molecular consequence: missense variant.
Genome position (GRCh38, 1-based): chr3:179,199,690, G>A. VCF-style: chr3-179199690-G-A. GRCh37 (hg19) VCF-style: chr3-178917478-G-A.
Other names: c.353G>A (LRG_310t1, NM_006218.3); short protein forms G118D.
Identifiers: ClinVar variation 156446 (VCV000156446.50), dbSNP rs587777790, ClinGen allele CA170883.

ClinVar aggregate classification (germline): Pathogenic. Review status: criteria provided, multiple submitters, no conflicts (2 of 4 stars). 10 submissions from 9 submitters: Pathogenic (7). 3 of the submissions do not count toward it. Last evaluated 2024-11-13.
ClinVar aggregate classification (somatic clinical impact): Tier I - Strong. Review status: criteria provided, single submitter (1 of 4 stars). 4 submissions from 1 submitter. 2 of the submissions do not count toward it. Last evaluated 2025-06-13.
ClinVar aggregate classification (oncogenicity): Likely oncogenic (1 of 4 stars; one submission).

Conditions:
PIK3CA-related disorder. Also called: PIK3CA- related disease; PIK3CA-related condition; PIK3CA-related disorders.
PIK3CA related overgrowth syndrome. Also called: PIK3CA-Related Segmental Overgrowth; PIK3CA related overgrowth spectrum. Identifiers: Orphanet 530313, MedGen C4728213, MONDO:1040002.
Cowden syndrome (CS). Also called: Cowden's disease; Cowden's syndrome; Cowden disease. Identifiers: Orphanet 201, MedGen C0018553, MONDO:0016063. Disease mechanism: gain of function.
Angioosteohypertrophic syndrome (KTS). Also called: Klippel-Trenaunay Syndrome; KTW SYNDROME. Identifiers: Orphanet 90308, MedGen C0022739, MeSH D007715, MONDO:0007864, OMIM 149000.
Cowden syndrome 5 (CWS5). Identifiers: Orphanet 201, MedGen C3554518, MONDO:0014047, OMIM 615108.
Keratoacanthoma. Identifiers: MedGen C0022572, MeSH D007636, MONDO:0002527, HP:0031525.
Diffuse glioma, H3 G34 mutant. Identifiers: MedGen CN377580, MONDO:0957197.
Dysembryoplastic neuroepithelial tumor. Identifiers: Orphanet 251946, MedGen C1266177, MONDO:0005505, HP:0033703.
Diffuse pediatric-type high-grade glioma, H3-wildtype and IDH-wildtype. Identifiers: MedGen C5669918, MONDO:0858939.
Embryonal rhabdomyosarcoma (ERMS). Also called: Botryoid rhabdomyosarcoma (type of ERMS); Spindle cell rhabdomyosarcomas (type of ERMS). Identifiers: Orphanet 99757, MedGen C0206656, MONDO:0009993, HP:0006743.
Neoplasm. Also called: Neoplasms; Neoplasm (disease); tumor. Identifiers: MedGen C0027651, MeSH D009369, MONDO:0005070, HP:0002664.

Submissions 1 to 10 of 15:

Center for Genomic Medicine, Rigshospitalet, Copenhagen University Hospital
Classification: Likely oncogenic for Neoplasm. Last evaluated: 2025-12-29. Review status: criteria provided, single submitter. Criteria: ClinGen/CGC/VICC Guidelines for Oncogenicity, 2022. Collection method: clinical testing. Allele origin: somatic. Affected: yes.

Institute for Genomic Medicine (IGM) Clinical Laboratory, Nationwide Children's Hospital
Classification: Tier I - Strong for Embryonal rhabdomyosarcoma. Assertion type: diagnostic. Clinical significance: supports diagnosis. Last evaluated: 2025-06-13. Review status: criteria provided, single submitter. Criteria: AMP/ASCO/CAP Guidelines, 2017. Collection method: clinical testing. Allele origin: somatic. Affected: yes.
Comment: Variant has Tier I (strong) clinical significance as a diagnostic inclusion criterion in embryonal rhabdomyosarcoma, based on the following evidence: 1) Documented in one or more cancer databases (e.g., St. Jude Pecan, COSMIC, CIViC, OncoKB). 2) Information in the literature supports potential biologic effect of variant (PMIDs: 22949682, 29533785). 3) Diagnostic for a specific tumor type/classification based on well-powered studies with expert-level consensus (Evidence Level B; PMIDs: 24436047, 34166060, 24332040, 26138366, 25768946).

Institute for Genomic Medicine (IGM) Clinical Laboratory, Nationwide Children's Hospital
Classification: Tier II - Potential for Dysembryoplastic neuroepithelial tumor. Assertion type: diagnostic. Clinical significance: supports diagnosis. Last evaluated: 2025-04-17. Review status: criteria provided, single submitter. Criteria: AMP/ASCO/CAP Guidelines, 2017. Collection method: clinical testing. Allele origin: somatic. Affected: yes. Not counted in ClinVar's aggregate classification.
Comment: Variant has Tier II (potential) clinical significance as a diagnostic inclusion criterion in dysembryoplastic neuroepithelial tumor, based on the following evidence: 1) Documented in one or more cancer databases (e.g., St. Jude Pecan, COSMIC, CIViC, OncoKB). 2) Information in the literature supports potential biologic effect of variant (PMIDs: 22949682, 29533785). 3) Diagnostic significance based on multiple small studies (Evidence Level C; PMIDs: 33020650, 28912153, 28966033, 31617914).

GeneDx
Classification: Pathogenic. Last evaluated: 2024-11-13. Review status: criteria provided, single submitter. Criteria: GeneDx Variant Classification Process June 2021. Collection method: clinical testing. Allele origin: germline. Affected: yes.
Comment: Not observed at significant frequency in large population cohorts (gnomAD); In silico analysis supports that this missense variant has a deleterious effect on protein structure/function; This variant is associated with the following publications: (PMID: 23246288, 30761771, 22949682, 37139028, 28151489)

Institute for Genomic Medicine (IGM) Clinical Laboratory, Nationwide Children's Hospital
Classification: Tier I - Strong for Diffuse pediatric-type high-grade glioma, H3-wildtype and IDH-wildtype. Assertion type: diagnostic. Clinical significance: supports diagnosis. Last evaluated: 2024-07-03. Review status: criteria provided, single submitter. Criteria: AMP/ASCO/CAP Guidelines, 2017. Collection method: clinical testing. Allele origin: somatic. Affected: yes.
Comment: Variant has Tier I (strong) clinical significance as a diagnostic inclusion criterion in diffuse pediatric-type high-grade glioma, H3-wildtype and IDH-wildtype, based on the following evidence: 1) Diagnostic for a specific tumor type/classification based on well-powered studies with expert-level consensus (Evidence Level B; PMIDs: 28966033, 24705251, 29763623, 28912153, 35332262).

Clinical Genomics Laboratory, Washington University in St. Louis
Classification: Pathogenic for PIK3CA-related overgrowth syndrome. Last evaluated: 2024-06-24. Review status: criteria provided, single submitter. Criteria: Leon-Quintero et al. (Clin Genet. 2025). Collection method: clinical testing. Allele origin: somatic. Affected: yes.
Comment: A PIK3CA c.353G>A (p.Gly118Asp) variant was identified at an allelic fraction consistent with somatic origin. This variant has been reported in a somatic state in numerous individuals with PIK3CA-Related Overgrowth spectrum (PROS) (McNulty SN et al., PMID: 31585106; Ahakoud M et al., PMID: 37139028; Limaye N et al., PMID: 26637981; Diociaiuti A et al., PMID: 35740480; Kuentz P et a., PMID: 28151489) and in a germline state in an individual with Cowden syndrome (Orloff MS et al., PMID: 23246288). This variant has also been identified in numerous cancer types in the cancer database COSMIC (Genomic Mutation ID: COSV55877290). The PIK3CA c.353G>A (p.Gly118Asp) variant has been reported in the ClinVar database as a pathogenic variant in both somatic and germline states by three submitters (ClinVar ID: 156446) and is absent from the general population (gnomAD v.4.1.0), indicating it is not a common variant. Functional studies show that the p.Gly118Asp variant confers a gain of function on the Pik3ca protein as indicated by enhanced lipid kinase activity in cell culture and increased transformation ability in two different cell lines (Ng PK et al., PMID: 29533785; Burke JE et al., PMID: 22949682). The PIK3CA gene is defined by the ClinGen Brain Malformations Variant Curation Expert Panel as a gene that has a low rate of benign missense variation and where pathogenic missense variants are a common mechanism of disease (Lai A et al., PMID: 35997716). A large number of PI3K/AKT pathway inhibitors are currently under clinical study, in both PROS disorders and cancer (Jin N et al., PMID: 34779417; Venot Q et al., PMID: 29899452; Parker VER et al., PMID: 30270358). Based on available information and an internally developed protocol informed by the ACMG/AMP guidelines for variant interpretation and gene-specific practices from the ClinGen Criteria Specification Registry (Leon-Quintero FZ et al., PMID: 39434542), the PIK3CA c.353G>A (p.Gly118Asp) variant is classified as pathogenic.

Institute for Genomic Medicine (IGM) Clinical Laboratory, Nationwide Children's Hospital
Classification: Tier II - Potential for Diffuse glioma, H3 G34 mutant. Assertion type: diagnostic. Clinical significance: supports diagnosis. Last evaluated: 2024-06-22. Review status: criteria provided, single submitter. Criteria: AMP/ASCO/CAP Guidelines, 2017. Collection method: clinical testing. Allele origin: somatic. Affected: yes. Not counted in ClinVar's aggregate classification.
Comment: Variant has Tier II (potential) clinical significance as a diagnostic inclusion criterion in diffuse glioma, H3 G34 mutant, based on the following evidence: 1) Documented in one or more cancer databases (e.g., St. Jude Pecan, COSMIC, CIViC, OncoKB). 2) Information in the literature supports potential biologic effect of variant (PMIDs: 22949682, 29533785). 3) Diagnostic significance based on multiple small studies (Evidence Level C; PMIDs: 24705251, 35195909, 35303099).

Blueprint Genetics
Classification: Pathogenic for PIK3CA-related disorders. Last evaluated: 2023-06-02. Review status: criteria provided, single submitter. Criteria: ACMG Guidelines, 2015. Collection method: clinical testing. Allele origin: germline. Affected: yes. Observed: 2 variant alleles.

Labcorp Genetics (formerly Invitae), Labcorp
Classification: Pathogenic for Cowden syndrome. Last evaluated: 2022-06-07. Review status: criteria provided, single submitter. Criteria: Invitae Variant Classification Sherloc (09022015). Collection method: clinical testing. Allele origin: germline.
Comment: Algorithms developed to predict the effect of missense changes on protein structure and function are either unavailable or do not agree on the potential impact of this missense change (SIFT: "Deleterious"; PolyPhen-2: "Possibly Damaging"; Align-GVGD: "Class C0"). Experimental studies have shown that this missense change affects PIK3CA function (PMID: 22949682, 23246288). For these reasons, this variant has been classified as Pathogenic. ClinVar contains an entry for this variant (Variation ID: 156446). This sequence change replaces glycine, which is neutral and non-polar, with aspartic acid, which is acidic and polar, at codon 118 of the PIK3CA protein (p.Gly118Asp). This variant is not present in population databases (gnomAD no frequency). This missense change has been observed in individuals with PIK3CA-related overgrowth spectrum (PMID: 23246288, 28151489).

CeGaT Center for Human Genetics Tuebingen
Classification: Pathogenic. Last evaluated: 2021-08-01. Review status: criteria provided, single submitter. Criteria: CeGaT Center For Human Genetics Tuebingen Variant Classification Criteria Version 2. Collection method: clinical testing. Allele origin: germline. Affected: yes. Observed: 1 variant allele.